The following is an entry in ClinVar:

ClinVar aggregate classification (germline): Uncertain significance (1 of 4 stars; one submission).

Conditions:
Hereditary cancer-predisposing syndrome. Also called: Neoplastic Syndromes, Hereditary; Hereditary Cancer Syndrome; Tumor predisposition; Hereditary neoplastic syndrome. Identifiers: Orphanet 140162, MedGen C0027672, MeSH D009386, MONDO:0015356.

Submission:

Ambry Genetics
Classification: Uncertain significance for Hereditary cancer-predisposing syndrome. Last evaluated: 2024-12-20. Review status: criteria provided, single submitter. Criteria: Ambry Variant Classification Scheme 2023. Collection method: clinical testing. Allele origin: germline.
Comment: The p.Q1014K variant (also known as c.3040C>A), located in coding exon 20 of the RAD50 gene, results from a C to A substitution at nucleotide position 3040. The glutamine at codon 1014 is replaced by lysine, an amino acid with similar properties. This amino acid position is conserved. In addition, this alteration is predicted to be tolerated by in silico analysis. Based on the available evidence, the clinical significance of this variant remains unclear.

NM_005732.4(RAD50):c.3040C>A (p.Gln1014Lys)

Gene: RAD50 (RAD50 double strand break repair protein; plus strand). Cytogenetic location: 5q31.1.
Variant type: single nucleotide variant.
Coding change: c.3040C>A on transcript NM_005732.4 (MANE Select); coding-DNA position 3040, C replaced by A.
Protein change: p.Gln1014Lys; replaces glutamine 1014 with lysine.
Molecular consequence: missense variant.
Genome position (GRCh38, 1-based): chr5:132,616,006, C>A. VCF-style: chr5-132616006-C-A. GRCh37 (hg19) VCF-style: chr5-131951698-C-A.
Other names: short protein forms Q1014K.
Identifiers: ClinVar variation 3786286 (VCV003786286.1).
Genomic context (GRCh38, chr5:132,616,006, plus strand): 5'-AGATTTCATGTTAGTAACTTGGTTATTTTTGTTAACTAATTTAATGTTTACCTTTAGATA[C>A]AAGAAAGGTGGCTACAAGATAACCTTACTTTAAGAAAAAGAAATGAGGAACTAAAAGAAG-3'
Protein context (NP_005723.2, residues 1004-1024): MRQDIDTQKI[Gln1014Lys]ERWLQDNLTL